The following is an entry in ClinVar:

ClinVar aggregate classification (germline): Uncertain significance (1 of 4 stars; one submission).

Submission:

Dasa
Classification: Uncertain significance. Last evaluated: 2026-02-27. Review status: criteria provided, single submitter. Criteria: DASA Assertion Criteria. Collection method: clinical testing. Allele origin: germline.
Comment: NM_030957.4(ADAMTS10):c.1355G>C (p.Cys452Ser) is a missense variant that results in the substitution of cysteine with serine. This variant has been observed in affected individuals with ADAMTS10-related disorders. Also, this variant is rare in population databases. Computational prediction algorithms are consistent with a deleterious effect. The currently available literature and clinical evidence are not sufficient to establish a definitive association between this variant and the reported condition. Therefore, this variant is classified as a variant of uncertain significance.

NM_030957.4(ADAMTS10):c.1355G>C (p.Cys452Ser)

Gene: ADAMTS10 (ADAM metallopeptidase with thrombospondin type 1 motif 10; minus strand). Cytogenetic location: 19p13.2.
Variant type: single nucleotide variant.
Coding change: c.1355G>C on transcript NM_030957.4 (MANE Select); coding-DNA position 1355, G replaced by C.
Protein change: p.Cys452Ser; replaces cysteine 452 with serine.
Molecular consequence: missense variant.
Genome position (GRCh38, 1-based): chr19:8,595,886, C>G on the plus strand (G>C on the coding strand, the complement: ADAMTS10 is on the minus strand). VCF-style: chr19-8595886-C-G. GRCh37 (hg19) VCF-style: chr19-8660770-C-G.
Other names: short protein forms C452S.
Identifiers: ClinVar variation 5020694 (VCV005020694.1).